The following is an entry in ClinVar:

ClinVar aggregate classification (germline): Benign. Review status: criteria provided, multiple submitters, no conflicts (2 of 4 stars). 2 submissions from 2 submitters: Benign (2). Last evaluated 2025-12-15.

Conditions:
Alagille syndrome due to a JAG1 point mutation. Also called: HEPATIC DUCTULAR HYPOPLASIA, SYNDROMATIC; JAG1-Related Alagille Syndrome; Alagille Syndrome 1. Identifiers: Orphanet 261619, Orphanet 52, MedGen C1956125, MONDO:0016862, OMIM 118450.

Allele frequency attached by ClinVar (database versions not stated): gnomAD 0.45420 and 0.45869; TOPMed 0.45989; 1000 Genomes Project 30x 0.51249; 1000 Genomes Project 0.51378.

Submissions (2):

Labcorp Genetics (formerly Invitae), Labcorp
Classification: Benign for Alagille syndrome due to a JAG1 point mutation. Last evaluated: 2025-12-15. Review status: criteria provided, single submitter. Criteria: Invitae Variant Classification Sherloc (09022015). Collection method: clinical testing. Allele origin: germline.

GeneDx
Classification: Benign. Last evaluated: 2018-09-04. Review status: criteria provided, single submitter. Criteria: GeneDx Variant Classification Process June 2021. Collection method: clinical testing. Allele origin: germline. Affected: yes.
Comment: This variant is associated with the following publications: (PMID: 20096396)

NM_000214.3(JAG1):c.440-173C>T

Gene: JAG1 (jagged canonical Notch ligand 1; minus strand). Cytogenetic location: 20p12.2.
Variant type: single nucleotide variant.
Coding change: c.440-173C>T on transcript NM_000214.3 (MANE Select); 173 bases into the intron before coding-DNA position 440, C replaced by T.
Molecular consequence: intron variant.
Genome position (GRCh38, 1-based): chr20:10,658,895, G>A on the plus strand (C>T on the coding strand, the complement: JAG1 is on the minus strand). VCF-style: chr20-10658895-G-A. GRCh37 (hg19) VCF-style: chr20-10639543-G-A.
Other names: c.440-173C>T (LRG_1191t1).
Identifiers: ClinVar variation 536536 (VCV000536536.10), dbSNP rs2273061, ClinGen allele CA15962265.
Genomic context (GRCh38, chr20:10,658,895, plus strand): 5'-TAAAAAAGGCAAAGAAATGAAAAGTTTATGCCCCTACCCAGAGACAACCTGTTACCACTT[G>A]TTTACCTTCTTTAATGGGTACACAGTATTTCATTGTCTGGAAACACCAATAAATAATTTA-3'